The following is an entry in ClinVar:

ClinVar aggregate classification (germline): Likely pathogenic (1 of 4 stars; one submission).

Submission:

ARUP Laboratories, Molecular Genetics and Genomics, ARUP Laboratories
Classification: Likely pathogenic. Last evaluated: 2019-08-05. Review status: criteria provided, single submitter. Criteria: ARUP Molecular Germline Variant Investigation Process. Collection method: clinical testing. Allele origin: germline.
Comment: The COL1A2 c.3116G>A; p.Gly1039Asp variant (rs72659326) is reported in the literature in at least one individual affected with lethal osteogenesis imperfecta type II (Marini 2007). This variant is absent from general population databases (Exome Variant Server, Genome Aggregation Database), indicating it is not a common polymorphism. The glycine at codon 1039 is highly conserved, and computational analyses (SIFT, PolyPhen-2) predict that this variant is deleterious. This variant disrupts the repeating Gly-X-Y sequence motif of the collagen triple helix and is predicted to impair collagen function (Ben Amor 2011). Based on available information, this variant is considered to be likely pathogenic. References: Ben Amor I et al. Genotype-phenotype correlations in autosomal dominant osteogenesis imperfecta. J Osteoporos. 2011; 2011:540178. Marini JC et al. Consortium for osteogenesis imperfecta mutations in the helical domain of type I collagen: regions rich in lethal mutations align with collagen binding sites for integrins and proteoglycans. Hum Mutat. 2007 Mar;28(3):209-21.

NM_000089.4(COL1A2):c.3116G>A (p.Gly1039Asp)

Gene: COL1A2 (collagen type I alpha 2 chain; plus strand). Cytogenetic location: 7q21.3.
Variant type: single nucleotide variant.
Coding change: c.3116G>A on transcript NM_000089.4 (MANE Select); coding-DNA position 3116, G replaced by A.
Protein change: p.Gly1039Asp; replaces glycine 1039 with aspartic acid.
Molecular consequence: missense variant.
Genome position (GRCh38, 1-based): chr7:94,427,018, G>A. VCF-style: chr7-94427018-G-A. GRCh37 (hg19) VCF-style: chr7-94056330-G-A.
Other names: short protein forms G1039D.
Identifiers: ClinVar variation 994014 (VCV000994014.8), dbSNP rs72659326, ClinGen allele CA162940650.
Genomic context (GRCh38, chr7:94,427,018, plus strand): 5'-TCTCTTGACATGTGCTCTGAAAGTGTGATTTTCCTCTTCTGTCTTTAAAGGGTCACCATG[G>A]TGATCAAGGTGCTCCTGGCTCCGTGGGTCCTGCTGGTCCTAGGGTAGGTGGACTCAAGAG-3'
Protein context (NP_000080.2, residues 1029-1049): QGLPGIAGHH[Gly1039Asp]DQGAPGSVGP